The following is an entry in ClinVar:

ClinVar aggregate classification (germline): Conflicting classifications of pathogenicity. Review status: criteria provided, conflicting classifications (1 of 4 stars). 2 submissions from 2 submitters: Uncertain significance (1); Likely benign (1). Last evaluated 2024-11-09.

Conditions:
Hereditary cancer-predisposing syndrome. Also called: Tumor predisposition; Hereditary Cancer Syndrome; Hereditary neoplastic syndrome; Neoplastic Syndromes, Hereditary. Identifiers: Orphanet 140162, MedGen C0027672, MeSH D009386, MONDO:0015356.
DICER1-related tumor predisposition. Also called: DICER1 syndrome; DICER1-related pleuropulmonary blastoma cancer predisposition syndrome. Identifiers: Orphanet 284343, MedGen C3839822, MONDO:0100216.

Allele frequency attached by ClinVar (database versions not stated): TOPMed 0.00001.
gnomAD v4.1: 2 of 1,614,214 alleles (0.00012%); highest among the groups gnomAD compares: Non-Finnish European, 0.00017%; no homozygotes.

Submissions (2):

Labcorp Genetics (formerly Invitae), Labcorp
Classification: Uncertain significance for DICER1-related tumor predisposition. Last evaluated: 2024-11-09. Review status: criteria provided, single submitter. Criteria: Invitae Variant Classification Sherloc (09022015). Collection method: clinical testing. Allele origin: germline.
Comment: This sequence change replaces threonine, which is neutral and polar, with alanine, which is neutral and non-polar, at codon 1267 of the DICER1 protein (p.Thr1267Ala). This variant is not present in population databases (gnomAD no frequency). This variant has not been reported in the literature in individuals affected with DICER1-related conditions. ClinVar contains an entry for this variant (Variation ID: 2142000). Invitae Evidence Modeling of protein sequence and biophysical properties (such as structural, functional, and spatial information, amino acid conservation, physicochemical variation, residue mobility, and thermodynamic stability) indicates that this missense variant is not expected to disrupt DICER1 protein function with a negative predictive value of 95%. In summary, the available evidence is currently insufficient to determine the role of this variant in disease. Therefore, it has been classified as a Variant of Uncertain Significance.

Ambry Genetics
Classification: Likely benign for Hereditary cancer-predisposing syndrome. Last evaluated: 2024-03-03. Review status: criteria provided, single submitter. Criteria: Ambry Variant Classification Scheme 2023. Collection method: clinical testing. Allele origin: germline.

NM_177438.3(DICER1):c.3799A>G (p.Thr1267Ala)

Gene: DICER1 (dicer 1, ribonuclease III; minus strand). Cytogenetic location: 14q32.13.
Variant type: single nucleotide variant.
Coding change: c.3799A>G on transcript NM_177438.3 (MANE Select); coding-DNA position 3799, A replaced by G.
Protein change: p.Thr1267Ala; replaces threonine 1267 with alanine.
Molecular consequence: missense variant. On other transcripts: non-coding transcript variant (6).
Genome position (GRCh38, 1-based): chr14:95,103,597, T>C on the plus strand (A>G on the coding strand, the complement: DICER1 is on the minus strand). VCF-style: chr14-95103597-T-C. GRCh37 (hg19) VCF-style: chr14-95569934-T-C.
Other names: c.3799A>G, p.Thr1267Ala (NM_001195573.1, NM_001271282.3, NM_001291628.2 and 13 more transcripts); c.3517A>G, p.Thr1173Ala (NM_001395686.1); c.3394A>G, p.Thr1132Ala (NM_001395687.1, NM_001395688.1, NM_001395689.1 and 2 more transcripts); c.3232A>G, p.Thr1078Ala (NM_001395691.1); c.2116A>G, p.Thr706Ala (NM_001395697.1); short protein forms T1078A, T1132A, T706A, T1267A, T1173A.
Identifiers: ClinVar variation 2142000 (VCV002142000.5), dbSNP rs953855540, ClinGen allele CA265905936.